The following is an entry in ClinVar:

ClinVar aggregate classification (germline): Uncertain significance (1 of 4 stars; one submission).

Conditions:
3MC syndrome 1. Also called: MICHELS SYNDROME; CRANIOSYNOSTOSIS WITH LID ANOMALIES; OCULOPALATOSKELETAL SYNDROME. Identifiers: Orphanet 293843, MedGen C0796059, MONDO:0009770, OMIM 257920.

gnomAD v4.1: 20 of 1,614,014 alleles (0.0012%); highest among the groups gnomAD compares: East Asian, 0.0022%; no homozygotes.

Submission:

Center for Genomics, Ann and Robert H. Lurie Children's Hospital of Chicago
Classification: Uncertain significance for 3MC syndrome 1. Last evaluated: 2021-03-30. Review status: criteria provided, single submitter. Criteria: ACMG Guidelines, 2015. Collection method: clinical testing. Allele origin: germline.
Comment: MASP1 NM_139125.3 exon11 p.Arg728Gln (c.2183G>A): This variant has not been reported in the literature but is present in 0.003% (1/31386) of alleles in the Genome Aggregation Database. Evolutionary conservation and computational predictive tools for this variant are unclear. Of note,splice prediction tools suggest that this variant may affect splicing. However, further studies are needed to understand its impact. In summary, data on this variant is insufficient for disease classification. Therefore, the clinical significance of this variant is uncertain.

NM_139125.4(MASP1):c.2183G>A (p.Arg728Gln)

Gene: MASP1 (MBL associated serine protease 1; minus strand). Cytogenetic location: 3q27.3.
Variant type: single nucleotide variant.
Coding change: c.2183G>A on transcript NM_139125.4 (MANE Select); coding-DNA position 2183, G replaced by A.
Protein change: p.Arg728Gln; replaces arginine 728 with glutamine.
Molecular consequence: missense variant. On other transcripts: non-coding transcript variant (1), intron variant (1).
Genome position (GRCh38, 1-based): chr3:187,235,688, C>T on the plus strand (G>A on the coding strand, the complement: MASP1 is on the minus strand). VCF-style: chr3-187235688-C-T. GRCh37 (hg19) VCF-style: chr3-186953476-C-T.
Other names: c.1304-5791G>A (NM_001879.6); short protein forms R728Q.
Identifiers: ClinVar variation 992549 (VCV000992549.2), dbSNP rs746844321, ClinGen allele CA89675777.